The following is an entry in ClinVar:

ClinVar aggregate classification (germline): Likely pathogenic (1 of 4 stars; one submission).

Conditions:
Wiedemann-Steiner syndrome (WDSTS). Also called: Growth deficiency and mental retardation with facial dysmorphism. Identifiers: Orphanet 319182, MedGen C1854630, MONDO:0011518, OMIM 605130.

Submission:

3billion
Classification: Likely pathogenic for Wiedemann-Steiner syndrome. Last evaluated: 2025-11-24. Review status: criteria provided, single submitter. Criteria: ACMG Guidelines, 2015. Collection method: clinical testing. Allele origin: germline. Affected: yes.
Comment: The variant is not observed in the gnomAD v4.1.0 dataset. Predicted Consequence/Location: Frameshift: predicted to result in a loss or disruption of normal protein function through nonsense-mediated decay (NMD) or protein truncation. Multiple pathogenic variants are reported downstream of the variant. Therefore, this variant is classified as Likely pathogenic according to the recommendation of ACMG/AMP guideline.

NM_001197104.2(KMT2A):c.10545del (p.Gly3517fs)

Gene: KMT2A (lysine methyltransferase 2A; plus strand). Cytogenetic location: 11q23.3.
Variant type: Deletion.
Coding change: c.10545del on transcript NM_001197104.2 (MANE Select); coding-DNA position 10545, one base deleted (T; older notation c.10545delT).
Protein change: p.Gly3517fs; shifts the reading frame from glycine 3517.
Molecular consequence: frameshift variant.
Genome position (GRCh38, 1-based): chr11:118,506,437, T deleted. VCF-style (leftmost placement, unchanged base first): chr11-118506436-CT-C. GRCh37 (hg19) VCF-style: chr11-118377151-CT-C.
Other names: c.10635del, p.Gly3547fs (NM_001412597.1); c.10536del, p.Gly3514fs (NM_005933.4); short protein forms G3514fs, G3517fs, G3547fs.
Identifiers: ClinVar variation 4854026 (VCV004854026.1).
Genomic context (GRCh38, chr11:118,506,436, plus strand): 5'-GCATGGGACTGGAGCAGAACAAGGCTTTATCCTCAGCTGTGCAAGCCAGCCCCACCTCTC[CT>C]GGGGGTTCTCCATCCTCTCCATCTTCTGGACAGCGGTCAGCAAGCCCTTCAGTGCCGGGT-3'